The following is an entry in ClinVar:

ClinVar aggregate classification (germline): Uncertain significance. Review status: criteria provided, multiple submitters, no conflicts (2 of 4 stars). 4 submissions from 4 submitters: Uncertain significance (4). Last evaluated 2022-10-28.

Allele frequency attached by ClinVar (database versions not stated): gnomAD exomes 0.00001 and 0.00004; ExAC 0.00003; gnomAD 0.00018 and 0.00019; TOPMed 0.00018; ESP Exome Variant Server 0.00023.
gnomAD v4.1: 53 of 1,613,850 alleles (0.0033%); highest among the groups gnomAD compares: African/African-American, 0.047%; no homozygotes.

Submissions (4):

Blueprint Genetics
Classification: Uncertain significance. Last evaluated: 2022-10-28. Review status: criteria provided, single submitter. Criteria: ACMG Guidelines, 2015. Collection method: clinical testing. Allele origin: germline.

Labcorp Genetics (formerly Invitae), Labcorp
Classification: Uncertain significance. Last evaluated: 2022-09-27. Review status: criteria provided, single submitter. Criteria: Invitae Variant Classification Sherloc (09022015). Collection method: clinical testing. Allele origin: germline.
Comment: This sequence change replaces arginine, which is basic and polar, with tryptophan, which is neutral and slightly polar, at codon 11 of the PDE6G protein (p.Arg11Trp). This variant is present in population databases (rs377414926, gnomAD 0.06%). This variant has not been reported in the literature in individuals affected with PDE6G-related conditions. ClinVar contains an entry for this variant (Variation ID: 934109). Algorithms developed to predict the effect of missense changes on protein structure and function output the following: SIFT: "Deleterious"; PolyPhen-2: "Benign"; Align-GVGD: "Class C35". The tryptophan amino acid residue is found in multiple mammalian species, which suggests that this missense change does not adversely affect protein function. In summary, the available evidence is currently insufficient to determine the role of this variant in disease. Therefore, it has been classified as a Variant of Uncertain Significance.

Ambry Genetics
Classification: Uncertain significance. Last evaluated: 2021-09-27. Review status: criteria provided, single submitter. Criteria: Ambry Variant Classification Scheme 2023. Collection method: clinical testing. Allele origin: germline.

Breakthrough Genomics
Classification: Uncertain significance. Review status: criteria provided, single submitter. Criteria: ACMG Guidelines, 2015. Collection method: not provided. Allele origin: germline. Inheritance: Autosomal recessive inheritance. Affected: yes.

NM_002602.4(PDE6G):c.31C>T (p.Arg11Trp)

Gene: PDE6G (phosphodiesterase 6G; minus strand). Cytogenetic location: 17q25.3.
Variant type: single nucleotide variant.
Coding change: c.31C>T on transcript NM_002602.4 (MANE Select); coding-DNA position 31, C replaced by T.
Protein change: p.Arg11Trp; replaces arginine 11 with tryptophan.
Molecular consequence: missense variant.
Genome position (GRCh38, 1-based): chr17:81,653,275, G>A on the plus strand (C>T on the coding strand, the complement: PDE6G is on the minus strand). VCF-style: chr17-81653275-G-A. GRCh37 (hg19) VCF-style: chr17-79620305-G-A.
Other names: c.31C>T, p.Arg11Trp (NM_001365724.1, NM_001365725.1); short protein forms R11W.
Identifiers: ClinVar variation 934109 (VCV000934109.6), dbSNP rs377414926, ClinGen allele CA8839075.